The following is an entry in ClinVar:

ClinVar aggregate classification (germline): Uncertain significance (1 of 4 stars; one submission).

Conditions:
Catecholaminergic polymorphic ventricular tachycardia (CVPT). Also called: Catecholamine-induced polymorphic ventricular tachycardia. Identifiers: Orphanet 3286, MedGen C5574922, MONDO:0017990.

Allele frequency attached by ClinVar (database versions not stated): gnomAD exomes below 0.00001.
gnomAD v4.1: 1 of 1,613,160 alleles (0.000062%); highest among the groups gnomAD compares: Non-Finnish European, 0.000085%; no homozygotes.

Submission:

All of Us Research Program, National Institutes of Health
Classification: Uncertain significance for Catecholaminergic polymorphic ventricular tachycardia. Last evaluated: 2024-01-11. Review status: criteria provided, single submitter. Criteria: ACMG Guidelines, 2015. Collection method: clinical testing. Allele origin: germline. Inheritance: Autosomal dominant inheritance. Observed: 1 variant allele, 1 heterozygote.
Comment: This study involves interpretation of variants in research participants for the purpose of population health screening. Participant phenotype was not available at the time of variant classification. Additional details can be found in publication PMID: 35346344, PMCID: PMC8962531

NM_001035.3(RYR2):c.4184C>G (p.Pro1395Arg)

Gene: RYR2 (ryanodine receptor 2; plus strand). Cytogenetic location: 1q43.
Variant type: single nucleotide variant.
Coding change: c.4184C>G on transcript NM_001035.3 (MANE Select); coding-DNA position 4184, C replaced by G.
Protein change: p.Pro1395Arg; replaces proline 1395 with arginine.
Molecular consequence: missense variant.
Genome position (GRCh38, 1-based): chr1:237,591,762, C>G. VCF-style: chr1-237591762-C-G. GRCh37 (hg19) VCF-style: chr1-237755062-C-G.
Other names: short protein forms P1395R.
Identifiers: ClinVar variation 3075373 (VCV003075373.1), dbSNP rs2546625166, ClinGen allele CA345398384.